The following is an entry in ClinVar:

ClinVar aggregate classification (germline): Pathogenic/Likely pathogenic. Review status: criteria provided, multiple submitters, no conflicts (2 of 4 stars). 2 submissions from 2 submitters: Pathogenic (1); Likely pathogenic (1). Last evaluated 2024-02-07.

Conditions:
GNE myopathy (NM). Also called: INCLUSION BODY MYOPATHY, HEREDITARY, AUTOSOMAL RECESSIVE; INCLUSION BODY MYOPATHY 2, AUTOSOMAL RECESSIVE; MYOPATHY, DISTAL, WITH OR WITHOUT RIMMED VACUOLES; NONAKA DISTAL MYOPATHY; IBM 2; Inclusion body myopathy autosomal recessive. Identifiers: Orphanet 602, MedGen C1853926, MONDO:0011603, OMIM 605820.
Sialuria. Also called: Sialic Acid Storage Disease; SIALURIA, FRENCH TYPE. Identifiers: Orphanet 3166, MedGen C0342853, MONDO:0010028, OMIM 269921.

Submissions (2):

Baylor Genetics
Classification: Likely pathogenic for GNE myopathy. Last evaluated: 2024-02-07. Review status: criteria provided, single submitter. Criteria: ACMG Guidelines, 2015. Collection method: clinical testing. Allele origin: unknown.

Labcorp Genetics (formerly Invitae), Labcorp
Classification: Pathogenic for Sialuria; GNE myopathy. Last evaluated: 2023-05-18. Review status: criteria provided, single submitter. Criteria: Invitae Variant Classification Sherloc (09022015). Collection method: clinical testing. Allele origin: germline.
Comment: This variant has not been reported in the literature in individuals affected with GNE-related conditions. This variant is not present in population databases (gnomAD no frequency). This sequence change creates a premature translational stop signal (p.Leu535Profs*3) in the GNE gene. It is expected to result in an absent or disrupted protein product. Loss-of-function variants in GNE are known to be pathogenic (PMID: 24027297). ClinVar contains an entry for this variant (Variation ID: 958303). For these reasons, this variant has been classified as Pathogenic.

Literature cited by the submitters: PubMed 24027297 (cited by Labcorp Genetics (formerly Invitae), Labcorp).

NM_005476.7(GNE):c.1510dup (p.Leu504fs)

Gene: GNE (glucosamine (UDP-N-acetyl)-2-epimerase/N-acetylmannosamine kinase; minus strand). Cytogenetic location: 9p13.3.
Variant type: Duplication.
Coding change: c.1510dup on transcript NM_005476.7 (MANE Select); coding-DNA position 1510, one base duplicated (C; older notation c.1510dupC).
Protein change: p.Leu504fs; shifts the reading frame from leucine 504.
Molecular consequence: frameshift variant. On other transcripts: intron variant (1).
Genome position (GRCh38, 1-based): chr9:36,222,900, G duplicated on the plus strand (C on the coding strand, the reverse complement: GNE is on the minus strand); the first of 6 consecutive G bases (chr9:36,222,900-36,222,905); duplicating any one gives the same sequence. VCF-style (leftmost placement, unchanged base first): chr9-36222899-A-AG. GRCh37 (hg19) VCF-style: chr9-36222896-A-AG.
Other names: c.1333dup, p.Leu445fs (NM_001190388.2, NM_001374798.1); c.1357dup, p.Leu453fs (NM_001374797.1); c.1603dup, p.Leu535fs (NM_001128227.3); c.1180dup, p.Leu394fs (NM_001190384.3); c.1411+468dup (NM_001190383.3); short protein forms L445fs, L504fs, L535fs, L394fs, L453fs.
Identifiers: ClinVar variation 958303 (VCV000958303.8), dbSNP rs1828669338, ClinGen allele CA1139660952.